The following is an entry in ClinVar:

NM_000038.6(APC):c.391A>C (p.Thr131Pro)

Gene: APC (APC regulator of Wnt signaling pathway; plus strand). Cytogenetic location: 5q22.2.
Variant type: single nucleotide variant.
Coding change: c.391A>C on transcript NM_000038.6 (MANE Select); coding-DNA position 391, A replaced by C.
Protein change: p.Thr131Pro; replaces threonine 131 with proline.
Molecular consequence: missense variant. On other transcripts: 5 prime UTR variant (4), non-coding transcript variant (2).
Genome position (GRCh38, 1-based): chr5:112,767,359, A>C. VCF-style: chr5-112767359-A-C. GRCh37 (hg19) VCF-style: chr5-112103056-A-C.
Other names: c.391A>C, p.Thr131Pro (NM_001127510.3, NM_001354895.2, NM_001354896.2 and 16 more transcripts); c.421A>C, p.Thr141Pro (NM_001127511.3, NM_001354897.2, NM_001354902.2 and 1 more transcripts); c.316A>C, p.Thr106Pro (NM_001354898.2, NM_001354904.2, NM_001407451.1); c.214A>C, p.Thr72Pro (NM_001354900.2, NM_001354901.2, NM_001354905.2 and 1 more transcripts); c.-645A>C (NM_001354906.2, NM_001407470.1, NM_001407471.1 and 1 more transcripts); short protein forms T106P, T141P, T72P, T131P.
Identifiers: ClinVar variation 3928532 (VCV003928532.1).

ClinVar aggregate classification (germline): Uncertain significance (1 of 4 stars; one submission).

Conditions:
Hereditary cancer-predisposing syndrome. Also called: Hereditary Cancer Syndrome; Hereditary neoplastic syndrome; Neoplastic Syndromes, Hereditary; Tumor predisposition. Identifiers: Orphanet 140162, MedGen C0027672, MeSH D009386, MONDO:0015356.

Submission:

Ambry Genetics
Classification: Uncertain significance for Hereditary cancer-predisposing syndrome. Last evaluated: 2025-04-06. Review status: criteria provided, single submitter. Criteria: Ambry Variant Classification Scheme 2023. Collection method: clinical testing. Allele origin: germline.
Comment: The p.T131P variant (also known as c.391A>C), located in coding exon 3 of the APC gene, results from an A to C substitution at nucleotide position 391. The threonine at codon 131 is replaced by proline, an amino acid with highly similar properties. This amino acid position is conserved. In addition, in silico predictors for this gene do not accurately predict pathogenicity. Based on the available evidence, the clinical significance of this variant remains unclear.